The following is an entry in ClinVar:

NM_025136.4(OPA3):c.415C>T (p.Gln139Ter)

Genes: OPA3 (outer mitochondrial membrane lipid metabolism regulator OPA3; minus strand), OPA3-RTN2 (OPA3-RTN2 readthrough; minus strand). Cytogenetic location: 19q13.32.
Variant type: single nucleotide variant.
Coding change: c.415C>T on transcript NM_025136.4 (MANE Select); coding-DNA position 415, C replaced by T.
Protein change: p.Gln139Ter; replaces glutamine 139 with a stop codon.
Molecular consequence: nonsense. On other transcripts: intron variant (1).
Genome position (GRCh38, 1-based): chr19:45,553,639, G>A on the plus strand (C>T on the coding strand, the complement: OPA3 is on the minus strand). VCF-style: chr19-45553639-G-A. GRCh37 (hg19) VCF-style: chr19-46056897-G-A.
Other names: Q314*; c.143-24183C>T (NM_001017989.3); short protein forms Q139*.
Identifiers: ClinVar variation 21710 (VCV000021710.7), dbSNP rs28937899, ClinGen allele CA342399.

ClinVar aggregate classification (germline): Pathogenic/Likely pathogenic. Review status: no assertion criteria provided (0 of 4 stars). 3 submissions from 3 submitters: Pathogenic (1); Likely pathogenic (1). 1 of the submissions does not count toward it. Last evaluated 2017-02-15.

Conditions:
3-Methylglutaconic aciduria type 3 (MGCA3). Also called: Costeff Syndrome; OPA3-Related 3-Methylglutaconic Aciduria; OPA3, AUTOSOMAL RECESSIVE; OPTIC ATROPHY 3, AUTOSOMAL RECESSIVE. Identifiers: Orphanet 67047, MedGen C0574084, MONDO:0009787, OMIM 258501.

Allele frequency attached by ClinVar (database versions not stated): gnomAD exomes below 0.00001.

Submissions (3):

Counsyl
Classification: Likely pathogenic for 3-Methylglutaconic aciduria type 3. Last evaluated: 2017-02-15. Review status: no assertion criteria provided. Collection method: clinical testing. Allele origin: unknown.

OMIM
Classification: Pathogenic for 3-METHYLGLUTACONIC ACIDURIA, TYPE III. Last evaluated: 2008-12-01. Review status: no assertion criteria provided. Collection method: literature only. Allele origin: germline.

GeneReviews
No classification provided. Condition: 3-Methylglutaconic aciduria type 3. Review status: no classification provided. Collection method: literature only. Allele origin: germline. Not counted in ClinVar's aggregate classification.

Literature cited by the submitters: PubMed 18985435 (cited by 3 submitters); NCBI Bookshelf NBK1473 (cited by GeneReviews).